The following is an entry in ClinVar:

ClinVar aggregate classification (germline): Uncertain significance. Review status: criteria provided, multiple submitters, no conflicts (2 of 4 stars). 3 submissions from 3 submitters: Uncertain significance (3). Last evaluated 2025-10-09.

Conditions:
Arrhythmogenic right ventricular dysplasia 11. Also called: Arrhythmogenic Right Ventricular Dysplasia/Cardiomyopathy11; ARRHYTHMOGENIC RIGHT VENTRICULAR DYSPLASIA, FAMILIAL, 11; Arrhythmogenic right ventricular dysplasia 11 with mild palmoplantar keratoderma and woolly hair. Identifiers: MedGen C1864850, MONDO:0012506, OMIM 610476.
Cardiovascular phenotype. Identifiers: MedGen CN230736.
Cardiomyopathy (CMYO). Also called: Cardiomyopathies. Identifiers: Orphanet 167848, MedGen C0878544, MONDO:0004994, HP:0001638. Inheritance: Various modes of inheritance.

Allele frequency attached by ClinVar (database versions not stated): gnomAD exomes below 0.00001.
gnomAD v4.1: 4 of 1,528,920 alleles (0.00026%); highest among the groups gnomAD compares: Non-Finnish European, 0.00035%; no homozygotes.

Submissions (3):

Labcorp Genetics (formerly Invitae), Labcorp
Classification: Uncertain significance for Arrhythmogenic right ventricular dysplasia 11. Last evaluated: 2025-10-09. Review status: criteria provided, single submitter. Criteria: Invitae Variant Classification Sherloc (09022015). Collection method: clinical testing. Allele origin: germline.
Comment: This sequence change replaces tryptophan, which is neutral and slightly polar, with cysteine, which is neutral and slightly polar, at codon 10 of the DSC2 protein (p.Trp10Cys). This variant is not present in population databases (gnomAD no frequency). This variant has not been reported in the literature in individuals affected with DSC2-related conditions. ClinVar contains an entry for this variant (Variation ID: 519338). An algorithm developed to predict the effect of missense changes on protein structure and function (PolyPhen-2) suggests that this variant is likely to be tolerated. In summary, the available evidence is currently insufficient to determine the role of this variant in disease. Therefore, it has been classified as a Variant of Uncertain Significance.

Color Diagnostics, LLC DBA Color Health
Classification: Uncertain significance for Cardiomyopathy. Last evaluated: 2024-03-06. Review status: criteria provided, single submitter. Criteria: ACMG Guidelines, 2015. Collection method: clinical testing. Allele origin: germline.
Comment: This missense variant replaces tryptophan with cysteine at codon 10 of the DSC2 protein. Computational prediction suggests that this variant may not impact protein structure and function (internally defined REVEL score threshold <= 0.5, PMID: 27666373). Splice site prediction tools suggest that this variant may not impact RNA splicing. To our knowledge, functional studies have not been performed for this variant. This variant has not been reported in individuals affected with cardiovascular disorders in the literature. This variant has not been identified in the general population by the Genome Aggregation Database (gnomAD). The available evidence is insufficient to determine the role of this variant in disease conclusively. Therefore, this variant is classified as a Variant of Uncertain Significance.

Ambry Genetics
Classification: Uncertain significance for Cardiovascular phenotype. Last evaluated: 2016-10-13. Review status: criteria provided, single submitter. Criteria: Ambry Variant Classification Scheme 2023. Collection method: clinical testing. Allele origin: germline.
Comment: The p.W10C variant (also known as c.30G>T), located in coding exon 1 of the DSC2 gene, results from a G to T substitution at nucleotide position 30. The tryptophan at codon 10 is replaced by cysteine, an amino acid with highly dissimilar properties. This variant was not reported in population based cohorts in the following databases: Database of Single Nucleotide Polymorphisms (dbSNP), NHLBI Exome Sequencing Project (ESP), and 1000 Genomes Project. In the ESP, this variant was not observed in 3073 samples (6146 alleles) with coverage at this position. This amino acid position is poorly conserved in available vertebrate species. In addition, this alteration is predicted to be tolerated by in silico analysis. Since supporting evidence is limited at this time, the clinical significance of this alteration remains unclear.

NM_024422.6(DSC2):c.30G>T (p.Trp10Cys)

Genes: DSC2 (desmocollin 2; minus strand), DSCAS (DSC1/DSC2 antisense RNA; plus strand). Cytogenetic location: 18q12.1.
Variant type: single nucleotide variant.
Coding change: c.30G>T on transcript NM_024422.6 (MANE Select); coding-DNA position 30, G replaced by T.
Protein change: p.Trp10Cys; replaces tryptophan 10 with cysteine.
Molecular consequence: missense variant.
Genome position (GRCh38, 1-based): chr18:31,101,942, C>A on the plus strand (G>T on the coding strand, the complement: DSC2 is on the minus strand). VCF-style: chr18-31101942-C-A. GRCh37 (hg19) VCF-style: chr18-28681905-C-A.
Other names: c.30G>T, p.Trp10Cys (NM_004949.5); short protein forms W10C.
Identifiers: ClinVar variation 519338 (VCV000519338.10), dbSNP rs1555641322, ClinGen allele CA402115279.